The following is an entry in ClinVar:

ClinVar aggregate classification (germline): Likely benign (1 of 4 stars; one submission).

Submission:

CeGaT Center for Human Genetics Tuebingen
Classification: Likely benign. Last evaluated: 2023-06-01. Review status: criteria provided, single submitter. Criteria: CeGaT Center For Human Genetics Tuebingen Variant Classification Criteria Version 2. Collection method: clinical testing. Allele origin: germline. Affected: yes. Observed: 1 variant allele.
Comment: CSMD1: BP4

NM_033225.6(CSMD1):c.7856-4C>T

Genes: CSMD1 (CUB and Sushi multiple domains 1; minus strand), LOC105377785 (uncharacterized LOC105377785; plus strand). Cytogenetic location: 8p23.2.
Variant type: single nucleotide variant.
Coding change: c.7856-4C>T on transcript NM_033225.6 (MANE Select); 4 bases into the intron before coding-DNA position 7856, C replaced by T.
Molecular consequence: intron variant.
Genome position (GRCh38, 1-based): chr8:3,018,654, G>A on the plus strand (C>T on the coding strand, the complement: CSMD1 is on the minus strand). VCF-style: chr8-3018654-G-A. GRCh37 (hg19) VCF-style: chr8-2876176-G-A.
Identifiers: ClinVar variation 2658320 (VCV002658320.24), dbSNP rs1465761646, ClinGen allele CA2695199653.